The following is an entry in ClinVar:

ClinVar aggregate classification (germline): Conflicting classifications of pathogenicity. Review status: criteria provided, conflicting classifications (1 of 4 stars). 3 submissions from 3 submitters: Uncertain significance (1); Likely benign (2). Last evaluated 2026-02-11.

Conditions:
Gastrointestinal stromal tumor. Also called: Gastrointestinal stromal tumor, somatic; Gastrointestinal stroma tumor. Identifiers: Orphanet 44890, MedGen C0238198, MeSH D046152, MONDO:0011719, OMIM 606764, HP:0100723.
Pheochromocytoma/paraganglioma syndrome 3. Also called: GLOMUS TUMORS, FAMILIAL, 3; SDHC-Related Hereditary Paraganglioma-Pheochromocytoma Syndrome (Paragangliomas 3); SDHC-Related Hereditary Paraganglioma-Pheochromocytoma Syndrome; Paragangliomas 3. Identifiers: Orphanet 29072, MedGen C1854336, MONDO:0011544, OMIM 605373.
Hereditary cancer-predisposing syndrome. Also called: Neoplastic Syndromes, Hereditary; Tumor predisposition; Hereditary Cancer Syndrome; Hereditary neoplastic syndrome. Identifiers: Orphanet 140162, MedGen C0027672, MeSH D009386, MONDO:0015356.

Submissions (3):

Ambry Genetics
Classification: Uncertain significance for Hereditary cancer-predisposing syndrome. Last evaluated: 2026-02-11. Review status: criteria provided, single submitter. Criteria: Ambry Variant Classification Scheme 2023. Collection method: clinical testing. Allele origin: germline.
Comment: The c.406-5C>T intronic variant results from a C to T substitution 5 nucleotides upstream from coding exon 6 in the SDHC gene. This nucleotide position is poorly conserved in available vertebrate species. In silico splice site analysis predicts that this alteration will not have any significant effect on splicing. Based on the available evidence, the clinical significance of this variant remains unclear.

Blueprint Genetics
Classification: Likely benign. Last evaluated: 2024-10-08. Review status: criteria provided, single submitter. Criteria: ACMG Guidelines, 2015. Collection method: clinical testing. Allele origin: germline.

Labcorp Genetics (formerly Invitae), Labcorp
Classification: Likely benign for Pheochromocytoma/paraganglioma syndrome 3; Gastrointestinal stromal tumor. Last evaluated: 2024-01-21. Review status: criteria provided, single submitter. Criteria: Invitae Variant Classification Sherloc (09022015). Collection method: clinical testing. Allele origin: germline.

NM_003001.5(SDHC):c.406-5C>T

Gene: SDHC (succinate dehydrogenase complex subunit C; plus strand). Cytogenetic location: 1q23.3.
Variant type: single nucleotide variant.
Coding change: c.406-5C>T on transcript NM_003001.5 (MANE Select); 5 bases into the intron before coding-DNA position 406, C replaced by T.
Molecular consequence: intron variant.
Genome position (GRCh38, 1-based): chr1:161,362,324, C>T. VCF-style: chr1-161362324-C-T. GRCh37 (hg19) VCF-style: chr1-161332114-C-T.
Other names: c.295-5C>T (NM_001407119.1, NM_001407120.1); c.526-5C>T (NM_001407115.1); c.242-5C>T (NM_001035511.3); c.304-5C>T (NM_001035512.3); c.140-5C>T (NM_001278172.3); c.298-5C>T (NM_001407118.1); c.349-5C>T (NM_001407116.1); c.185-5C>T (NM_001407121.1); and 2 more.
Identifiers: ClinVar variation 824560 (VCV000824560.15), dbSNP rs1442391429, ClinGen allele CA526963481.